The following is an entry in ClinVar:

ClinVar aggregate classification (germline): Benign/Likely benign. Review status: criteria provided, multiple submitters, no conflicts (2 of 4 stars). 13 submissions from 13 submitters: Benign (1); Likely benign (9). 3 of the submissions do not count toward it. Last evaluated 2026-08-01.

Conditions:
Charcot-Marie-Tooth disease, axonal, Type 2HH. Also called: CHARCOT-MARIE-TOOTH NEUROPATHY, TYPE 2HH. Identifiers: MedGen C5562003, MONDO:0030458, OMIM 619574.
Deafness, congenital heart defects, and posterior embryotoxon (DCHE). Identifiers: MedGen C1866053, MONDO:0060713, OMIM 617992.
Tetralogy of Fallot (TOF). Identifiers: Orphanet 3303, MedGen C0039685, MONDO:0008542, OMIM 187500, HP:0001636.
Alagille syndrome due to a JAG1 point mutation. Also called: JAG1-Related Alagille Syndrome; Alagille Syndrome 1; HEPATIC DUCTULAR HYPOPLASIA, SYNDROMATIC. Identifiers: Orphanet 261619, Orphanet 52, MedGen C1956125, MONDO:0016862, OMIM 118450.
Cardiovascular phenotype. Identifiers: MedGen CN230736.
JAG1-related disorder. Also called: JAG1-related condition; JAG1-related disorders.
Isolated Nonsyndromic Congenital Heart Disease.

Allele frequency attached by ClinVar (database versions not stated): gnomAD 0.00069; ESP Exome Variant Server 0.00077; TOPMed 0.00079; ExAC 0.00086; gnomAD exomes 0.00095 and 0.00104; 1000 Genomes Project 0.00100; 1000 Genomes Project 30x 0.00109.
gnomAD v4.1: 1,636 of 1,612,916 alleles (0.1%); highest among the groups gnomAD compares: Middle Eastern, 0.15%; 3 homozygotes.

Submissions (13):

CeGaT Center for Human Genetics Tuebingen
Classification: Likely benign. Last evaluated: 2026-08-01. Review status: criteria provided, single submitter. Criteria: CeGaT Center For Human Genetics Tuebingen Variant Classification Criteria Version 2. Collection method: clinical testing. Allele origin: germline. Affected: yes. Observed: 4 variant alleles.
Comment: JAG1: BS1

Labcorp Genetics (formerly Invitae), Labcorp
Classification: Likely benign for Alagille syndrome due to a JAG1 point mutation. Last evaluated: 2026-02-01. Review status: criteria provided, single submitter. Criteria: Invitae Variant Classification Sherloc (09022015). Collection method: clinical testing. Allele origin: germline.

Mayo Clinic Laboratories, Mayo Clinic
Classification: Likely benign. Last evaluated: 2025-08-18. Review status: criteria provided, single submitter. Criteria: ACMG Guidelines, 2015. Collection method: clinical testing. Allele origin: germline. Observed: 6 variant alleles.
Comment: BS1, BS3_supporting, BP5

Blueprint Genetics
Classification: Likely benign. Last evaluated: 2024-11-26. Review status: criteria provided, single submitter. Criteria: ACMG Guidelines, 2015. Collection method: clinical testing. Allele origin: germline.

Fulgent Genetics
Classification: Likely benign for Alagille syndrome due to a JAG1 point mutation; Tetralogy of Fallot; Deafness, congenital heart defects, and posterior embryotoxon; Charcot-Marie-Tooth disease, axonal, Type 2HH. Last evaluated: 2022-04-11. Review status: criteria provided, single submitter. Criteria: ACMG Guidelines, 2015. Collection method: clinical testing. Allele origin: unknown.

GeneDx
Classification: Likely benign. Last evaluated: 2018-12-17. Review status: criteria provided, single submitter. Criteria: GeneDx Variant Classification Process June 2021. Collection method: clinical testing. Allele origin: germline. Affected: yes.
Comment: This variant is associated with the following publications: (PMID: 11139239, 10220506, 11157803, 11058898, 26760175)

Ambry Genetics
Classification: Likely benign for Cardiovascular phenotype. Last evaluated: 2018-02-22. Review status: criteria provided, single submitter. Criteria: Ambry Variant Classification Scheme 2023. Collection method: clinical testing. Allele origin: germline.

Illumina Laboratory Services, Illumina
Classification: Benign for Isolated Nonsyndromic Congenital Heart Disease. Last evaluated: 2018-01-13. Review status: criteria provided, single submitter. Criteria: ICSL Variant Classification Criteria 13 December 2019. Collection method: clinical testing. Allele origin: germline.
Comment: This variant was observed in the ICSL laboratory as part of a predisposition screen in an ostensibly healthy population. It had not been previously curated by ICSL or reported in the Human Gene Mutation Database (HGMD: prior to June 1st, 2018), and was therefore a candidate for classification through an automated scoring system. Utilizing variant allele frequency, disease prevalence and penetrance estimates, and inheritance mode, an automated score was calculated to assess if this variant is too frequent to cause the disease. Based on the score and internal cut-off values, a variant classified as benign is not then subjected to further curation. The score for this variant resulted in a classification of benign for this disease.

Eurofins Ntd Llc (ga)
Classification: Likely benign. Last evaluated: 2017-01-13. Review status: criteria provided, single submitter. Criteria: EGL Classification Definitions 2015. Collection method: clinical testing. Allele origin: germline. Observed: 1 variant allele, 1 heterozygote.

Breakthrough Genomics
Classification: Likely benign. Review status: criteria provided, single submitter. Criteria: ACMG Guidelines, 2015. Collection method: not provided. Allele origin: germline. Inheritance: Autosomal dominant inheritance. Affected: yes.

PreventionGenetics, part of Exact Sciences
Classification: Likely benign for JAG1-related condition. Last evaluated: 2020-01-31. Review status: no assertion criteria provided. Collection method: clinical testing. Allele origin: germline. Not counted in ClinVar's aggregate classification.
Comment: This variant is classified as likely benign based on ACMG/AMP sequence variant interpretation guidelines (Richards et al. 2015 PMID: 25741868, with internal and published modifications).

Clinical Genetics DNA and cytogenetics Diagnostics Lab, Erasmus MC, Erasmus Medical Center
Classification: Uncertain significance. Review status: no assertion criteria provided. Collection method: clinical testing. Allele origin: germline. Affected: yes. Study: VKGL Data-share Consensus. Not counted in ClinVar's aggregate classification.

Diagnostic Laboratory, Department of Genetics, University Medical Center Groningen
Classification: Uncertain significance. Review status: no assertion criteria provided. Collection method: clinical testing. Allele origin: germline. Affected: yes. Study: VKGL Data-share Consensus. Not counted in ClinVar's aggregate classification.

Literature cited by the submitters: PubMed 10220506 (cited by Mayo Clinic Laboratories, Mayo Clinic and Ambry Genetics); PubMed 11058898 (cited by Mayo Clinic Laboratories, Mayo Clinic and Ambry Genetics); PubMed 26760175 (cited by Mayo Clinic Laboratories, Mayo Clinic and Ambry Genetics); PubMed 39244638 (cited by Mayo Clinic Laboratories, Mayo Clinic); PubMed 11139239 (cited by Ambry Genetics).

NM_000214.3(JAG1):c.2231G>A (p.Arg744Gln)

Gene: JAG1 (jagged canonical Notch ligand 1; minus strand). Cytogenetic location: 20p12.2.
Variant type: single nucleotide variant.
Coding change: c.2231G>A on transcript NM_000214.3 (MANE Select); coding-DNA position 2231, G replaced by A.
Protein change: p.Arg744Gln; replaces arginine 744 with glutamine.
Molecular consequence: missense variant.
Genome position (GRCh38, 1-based): chr20:10,644,976, C>T on the plus strand (G>A on the coding strand, the complement: JAG1 is on the minus strand). VCF-style: chr20-10644976-C-T. GRCh37 (hg19) VCF-style: chr20-10625624-C-T.
Other names: p.Arg744Gln; c.2231G>A, p.Arg744Gln (LRG_1191t1); short protein forms R744Q.
Identifiers: ClinVar variation 337752 (VCV000337752.53), dbSNP rs147809756, ClinGen allele CA9764576.